The following is an entry in ClinVar:

NM_000321.3(RB1):c.1814+1G>A

Gene: RB1 (RB transcriptional corepressor 1; plus strand). Cytogenetic location: 13q14.2.
Variant type: single nucleotide variant.
Coding change: c.1814+1G>A on transcript NM_000321.3 (MANE Select); the canonical splice donor site of the intron after coding-DNA position 1814, G replaced by A.
Molecular consequence: splice donor variant.
Genome position (GRCh38, 1-based): chr13:48,453,112, G>A. VCF-style: chr13-48453112-G-A. GRCh37 (hg19) VCF-style: chr13-49027248-G-A.
Other names: NC_000013.10:g.49027248G>A; c.1814+1G>A (NM_001407165.1).
Identifiers: ClinVar variation 1780636 (VCV001780636.6), dbSNP rs2138327439, ClinGen allele CA388165674.

ClinVar aggregate classification (germline): Pathogenic. Review status: criteria provided, multiple submitters, no conflicts (2 of 4 stars). 3 submissions from 3 submitters: Pathogenic (3). Last evaluated 2026-01-26.

Conditions:
Hereditary cancer-predisposing syndrome. Also called: Neoplastic Syndromes, Hereditary; Tumor predisposition; Hereditary Cancer Syndrome; Hereditary neoplastic syndrome. Identifiers: Orphanet 140162, MedGen C0027672, MeSH D009386, MONDO:0015356.
Retinoblastoma (RB1). Also called: RETINOBLASTOMA, SOMATIC. Identifiers: Orphanet 790, MedGen C0035335, MeSH D012175, MONDO:0008380, OMIM 180200, HP:0009919. Disease mechanism: loss of function. Inheritance: Both sporadic and heritable forms are tested..

Submissions (4):

Ambry Genetics
Classification: Pathogenic for Hereditary cancer-predisposing syndrome. Last evaluated: 2026-01-26. Review status: criteria provided, single submitter. Criteria: Ambry Variant Classification Scheme 2023. Collection method: clinical testing. Allele origin: germline.
Comment: The c.1814+1G>A intronic pathogenic mutation results from a G to A substitution one nucleotide after coding exon 18 of the RB1 gene. This variant was reported in individual(s) with bilateral retinoblastoma (Ambry internal data). Other variant(s) impacting the same donor site (c.1814+2T>G) have been identified in individual(s) with features consistent with RB1-related retinoblastoma (Ambry internal data). This variant is considered to be rare based on population cohorts in the Genome Aggregation Database (gnomAD). This nucleotide position is highly conserved in available vertebrate species. In silico splice site analysis predicts that this alteration will weaken the native splice donor site. Alterations that disrupt the canonical splice site are expected to cause aberrant splicing, resulting in an abnormal protein or a transcript that is subject to nonsense-mediated mRNA decay. As such, this alteration is classified as a disease-causing mutation.

Labcorp Genetics (formerly Invitae), Labcorp
Classification: Pathogenic for Retinoblastoma. Last evaluated: 2026-01-07. Review status: criteria provided, single submitter. Criteria: Invitae Variant Classification Sherloc (09022015). Collection method: clinical testing. Allele origin: germline.
Comment: This sequence change affects a donor splice site in intron 18 of the RB1 gene. RNA analysis indicates that disruption of this splice site induces altered splicing and may result in an absent or altered protein product. This variant is not present in population databases (gnomAD no frequency). Disruption of this splice site has been observed in individual(s) with retinoblastoma (PMID: 8651278; internal data). ClinVar contains an entry for this variant (Variation ID: 1780636). Studies have shown that disruption of this splice site results in skipping of exon 18 and retention of intron 18, and produces a non-functional protein and/or introduces a premature termination codon (internal data). For these reasons, this variant has been classified as Pathogenic.

Dasa
Classification: Pathogenic. Last evaluated: 2025-08-11. Review status: criteria provided, single submitter. Criteria: DASA Assertion Criteria. Collection method: clinical testing. Allele origin: germline.
Comment: NM_000321.3(RB1):c.1814+1G>A introduces a premature termination codon predicted to result in loss of normal protein function. Loss-of-function is an established mechanism of disease for this gene. The variant is present at low frequency in population datasets. Based on the available data, this variant is classified as pathogenic.

Dr. Peter K. Rogan Lab, Western University
No classification provided (evidence only). Condition: Malignant tumor of urinary bladder. Review status: no classification provided. Collection method: in vitro. Allele origin: not applicable. Functional consequence: skipped exon, retained intron. Not counted in ClinVar's aggregate classification.

Literature cited by the submitters: PubMed 8651278 (cited by Labcorp Genetics (formerly Invitae), Labcorp).